The following is an entry in ClinVar:

ClinVar aggregate classification (germline): Benign/Likely benign. Review status: criteria provided, multiple submitters, no conflicts (2 of 4 stars). 15 submissions from 15 submitters: Benign (8); Likely benign (6). 1 of the submissions does not count toward it. Last evaluated 2026-01-31.

Conditions:
Hereditary cancer-predisposing syndrome. Also called: Hereditary Cancer Syndrome; Tumor predisposition; Neoplastic Syndromes, Hereditary; Hereditary neoplastic syndrome. Identifiers: Orphanet 140162, MedGen C0027672, MeSH D009386, MONDO:0015356.
Tuberous sclerosis syndrome (TSC). Also called: Tuberous Sclerosis Complex; Tuberous sclerosis. Identifiers: Orphanet 805, MedGen C0041341, MONDO:0001734.
Tuberous sclerosis 2 (TSC2). Identifiers: Orphanet 805, MedGen C1860707, MONDO:0013199, OMIM 613254.

Allele frequency attached by ClinVar (database versions not stated): gnomAD exomes 0.00043 and 0.00018; 1000 Genomes Project 30x 0.00047; ExAC 0.00056; 1000 Genomes Project 0.00060; TOPMed 0.00004; gnomAD 0.00009 and 0.00016.
gnomAD v4.1: 284 of 1,609,256 alleles (0.018%); highest among the groups gnomAD compares: South Asian, 0.23%; 3 homozygotes.

Submissions (15):

Labcorp Genetics (formerly Invitae), Labcorp
Classification: Benign for Tuberous sclerosis 2. Last evaluated: 2026-01-31. Review status: criteria provided, single submitter. Criteria: Invitae Variant Classification Sherloc (09022015). Collection method: clinical testing. Allele origin: germline.

Myriad Genetics, Inc.
Classification: Benign for Tuberous sclerosis 2. Last evaluated: 2025-06-03. Review status: criteria provided, single submitter. Criteria: Myriad Autosomal Dominant, Autosomal Recessive and X-Linked Classification Criteria (2023). Collection method: clinical testing. Allele origin: unknown.
Comment: This variant is considered benign. This variant is a silent/synonymous amino acid change and it is not expected to impact splicing.

Laboratory of Genetics, Children's Clinical University Hospital Latvia
Classification: Likely benign. Last evaluated: 2025-02-16. Review status: criteria provided, single submitter. Criteria: ACMG Guidelines, 2015. Collection method: clinical testing. Allele origin: germline. Affected: yes.

Blueprint Genetics
Classification: Likely benign. Last evaluated: 2024-11-19. Review status: criteria provided, single submitter. Criteria: ACMG Guidelines, 2015. Collection method: clinical testing. Allele origin: germline.

All of Us Research Program, National Institutes of Health
Classification: Benign for Tuberous sclerosis syndrome. Last evaluated: 2024-02-05. Review status: criteria provided, single submitter. Criteria: ACMG Guidelines, 2015. Collection method: clinical testing. Allele origin: germline. Inheritance: Autosomal dominant inheritance. Observed: 17 variant alleles, 17 heterozygotes.
Comment: This study involves interpretation of variants in research participants for the purpose of population health screening. Participant phenotype was not available at the time of variant classification. Additional details can be found in publication PMID: 35346344, PMCID: PMC8962531

CeGaT Center for Human Genetics Tuebingen
Classification: Likely benign. Last evaluated: 2023-01-01. Review status: criteria provided, single submitter. Criteria: CeGaT Center For Human Genetics Tuebingen Variant Classification Criteria Version 2. Collection method: clinical testing. Allele origin: germline. Affected: yes. Observed: 2 variant alleles.
Comment: TSC2: BP4, BP7, BS1

Color Diagnostics, LLC DBA Color Health
Classification: Benign for Tuberous sclerosis syndrome. Last evaluated: 2022-10-07. Review status: criteria provided, single submitter. Criteria: ACMG Guidelines, 2015. Collection method: clinical testing. Allele origin: germline.

ARUP Laboratories, Molecular Genetics and Genomics, ARUP Laboratories
Classification: Likely benign. Last evaluated: 2022-04-22. Review status: criteria provided, single submitter. Criteria: ARUP Molecular Germline Variant Investigation Process 2021. Collection method: clinical testing. Allele origin: germline.

Genome-Nilou Lab
Classification: Benign for Tuberous sclerosis 2. Last evaluated: 2021-11-07. Review status: criteria provided, single submitter. Criteria: ACMG Guidelines, 2015. Collection method: clinical testing. Allele origin: germline. Affected: no.

Sema4
Classification: Benign for Hereditary cancer-predisposing syndrome. Last evaluated: 2021-08-16. Review status: criteria provided, single submitter. Criteria: Sema4 Curation Guidelines. Collection method: curation. Allele origin: germline.

Illumina Laboratory Services, Illumina
Classification: Benign for Tuberous sclerosis syndrome. Last evaluated: 2018-01-13. Review status: criteria provided, single submitter. Criteria: ICSL Variant Classification Criteria 13 December 2019. Collection method: clinical testing. Allele origin: germline.
Comment: This variant was observed in the ICSL laboratory as part of a predisposition screen in an ostensibly healthy population. It had not been previously curated by ICSL or reported in the Human Gene Mutation Database (HGMD: prior to June 1st, 2018), and was therefore a candidate for classification through an automated scoring system. Utilizing variant allele frequency, disease prevalence and penetrance estimates, and inheritance mode, an automated score was calculated to assess if this variant is too frequent to cause the disease. Based on the score and internal cut-off values, a variant classified as benign is not then subjected to further curation. The score for this variant resulted in a classification of benign for this disease.

Eurofins Ntd Llc (ga)
Classification: Likely benign. Last evaluated: 2017-06-07. Review status: criteria provided, single submitter. Criteria: EGL Classification Definitions 2015. Collection method: clinical testing. Allele origin: germline. Observed: 1 variant allele, 1 heterozygote.

Ambry Genetics
Classification: Likely benign for Hereditary cancer-predisposing syndrome. Last evaluated: 2016-03-03. Review status: criteria provided, single submitter. Criteria: Ambry Variant Classification Scheme 2023. Collection method: clinical testing. Allele origin: germline.

GeneDx
Classification: Benign. Last evaluated: 2015-04-29. Review status: criteria provided, single submitter. Criteria: GeneDx Variant Classification (06012015). Collection method: clinical testing. Allele origin: germline. Affected: yes.
Comment: This variant is considered likely benign or benign based on one or more of the following criteria: it is a conservative change, it occurs at a poorly conserved position in the protein, it is predicted to be benign by multiple in silico algorithms, and/or has population frequency not consistent with disease.

Tuberous sclerosis database (TSC2)
No classification provided. Condition: TSC. Review status: no classification provided. Criteria: Tuberous Sclerosis Database Assertion Criteria 2015. Collection method: curation. Allele origin: germline. Affected: yes. Not counted in ClinVar's aggregate classification.

NM_000548.5(TSC2):c.4302C>T (p.Gly1434=)

Gene: TSC2 (TSC complex subunit 2; plus strand). Cytogenetic location: 16p13.3.
Variant type: single nucleotide variant.
Coding change: c.4302C>T on transcript NM_000548.5 (MANE Select); coding-DNA position 4302, C replaced by T.
Protein change: p.Gly1434=; no amino-acid change (glycine 1434 retained).
Molecular consequence: synonymous variant.
Genome position (GRCh38, 1-based): chr16:2,084,524, C>T. VCF-style: chr16-2084524-C-T. GRCh37 (hg19) VCF-style: chr16-2134525-C-T.
Other names: c.4101C>T, p.Gly1367= (NM_001077183.3); c.4233C>T, p.Gly1411= (NM_001114382.3); c.3993C>T, p.Gly1331= (NM_001318827.2); c.3957C>T, p.Gly1319= (NM_001318829.2); c.3570C>T, p.Gly1190= (NM_001318831.2); c.4134C>T, p.Gly1378= (NM_001318832.2); c.4104C>T, p.Gly1368= (NM_001363528.2); c.4170C>T, p.Gly1390= (NM_001370404.1); and 1 more.
Identifiers: ClinVar variation 49899 (VCV000049899.71), dbSNP rs137854000, ClinGen allele CA020228.